The following is an entry in ClinVar:

NM_006939.4(SOS2):c.907C>T (p.Pro303Ser)

Gene: SOS2 (SOS Ras/Rho guanine nucleotide exchange factor 2; minus strand). Cytogenetic location: 14q21.3.
Variant type: single nucleotide variant.
Coding change: c.907C>T on transcript NM_006939.4 (MANE Select); coding-DNA position 907, C replaced by T.
Protein change: p.Pro303Ser; replaces proline 303 with serine.
Molecular consequence: missense variant.
Genome position (GRCh38, 1-based): chr14:50,180,634, G>A on the plus strand (C>T on the coding strand, the complement: SOS2 is on the minus strand). VCF-style: chr14-50180634-G-A. GRCh37 (hg19) VCF-style: chr14-50647352-G-A.
Other names: c.907C>T, p.Pro303Ser (NM_001411020.1); short protein forms P303S.
Identifiers: ClinVar variation 2887770 (VCV002887770.3), dbSNP rs1566840605, ClinGen allele CA389647034.
Genomic context (GRCh38, chr14:50,180,634, plus strand): 5'-GAAAGTGTAGAGCAACTGCAGGTCTGGCCATCAATTTATTGAAATGTTCATGAAACTCTG[G>A]TGAAAGAATGTCCTGTGATAATGTTTCATAAGGATCAAATGCTTGCTCCTATTTTTTTAA-3'
Protein context (NP_008870.2, residues 293-313): YETLSQDILS[Pro303Ser]EFHEHFNKLM

ClinVar aggregate classification (germline): Uncertain significance (1 of 4 stars; one submission).

Conditions:
Noonan syndrome 9 (NS9). Identifiers: Orphanet 648, MedGen C4225282, MONDO:0014691, OMIM 616559.

Allele frequency attached by ClinVar (database versions not stated): gnomAD exomes below 0.00001; gnomAD 0.00001.
gnomAD v4.1: 4 of 1,605,168 alleles (0.00025%); highest among the groups gnomAD compares: Admixed American, 0.0034%; no homozygotes.

Submission:

Labcorp Genetics (formerly Invitae), Labcorp
Classification: Uncertain significance for Noonan syndrome 9. Last evaluated: 2022-12-21. Review status: criteria provided, single submitter. Criteria: Invitae Variant Classification Sherloc (09022015). Collection method: clinical testing. Allele origin: germline.
Comment: This sequence change replaces proline, which is neutral and non-polar, with serine, which is neutral and polar, at codon 303 of the SOS2 protein (p.Pro303Ser). This variant is not present in population databases (gnomAD no frequency). This variant has not been reported in the literature in individuals affected with SOS2-related conditions. Advanced modeling of protein sequence and biophysical properties (such as structural, functional, and spatial information, amino acid conservation, physicochemical variation, residue mobility, and thermodynamic stability) performed at Invitae indicates that this missense variant is not expected to disrupt SOS2 protein function. In summary, the available evidence is currently insufficient to determine the role of this variant in disease. Therefore, it has been classified as a Variant of Uncertain Significance.